The following is an entry in ClinVar:

ClinVar aggregate classification (germline): Uncertain significance (1 of 4 stars; one submission).

Conditions:
Cardiovascular phenotype. Identifiers: MedGen CN230736.

Allele frequency attached by ClinVar (database versions not stated): gnomAD exomes below 0.00001; gnomAD 0.00001.
gnomAD v4.1: 4 of 1,550,616 alleles (0.00026%); highest among the groups gnomAD compares: African/African-American, 0.0014%; no homozygotes.

Submission:

Ambry Genetics
Classification: Uncertain significance for Cardiovascular phenotype. Last evaluated: 2023-09-06. Review status: criteria provided, single submitter. Criteria: Ambry Variant Classification Scheme 2023. Collection method: clinical testing. Allele origin: germline.
Comment: The p.G3864D variant (also known as c.11591G>A), located in coding exon 2 of the ZNF469 gene, results from a G to A substitution at nucleotide position 11591. The glycine at codon 3864 is replaced by aspartic acid, an amino acid with similar properties. This amino acid position is conserved. In addition, this alteration is predicted to be tolerated by in silico analysis. Since supporting evidence is limited at this time, the clinical significance of this alteration remains unclear.

NM_001367624.2(ZNF469):c.11675G>A (p.Gly3892Asp)

Gene: ZNF469 (zinc finger protein 469; plus strand). Cytogenetic location: 16q24.2.
Variant type: single nucleotide variant.
Coding change: c.11675G>A on transcript NM_001367624.2 (MANE Select); coding-DNA position 11675, G replaced by A.
Protein change: p.Gly3892Asp; replaces glycine 3892 with aspartic acid.
Molecular consequence: missense variant.
Genome position (GRCh38, 1-based): chr16:88,439,145, G>A. VCF-style: chr16-88439145-G-A. GRCh37 (hg19) VCF-style: chr16-88505553-G-A.
Other names: NM_001127464.1:c.11591G>A; short protein forms G3892D.
Identifiers: ClinVar variation 2626144 (VCV002626144.2), dbSNP rs1242478205, ClinGen allele CA397130934.